The following is an entry in ClinVar:

NM_000875.5(IGF1R):c.2298C>T (p.Thr766=)

Gene: IGF1R (insulin like growth factor 1 receptor; plus strand). Cytogenetic location: 15q26.3.
Variant type: single nucleotide variant.
Coding change: c.2298C>T on transcript NM_000875.5 (MANE Select); coding-DNA position 2298, C replaced by T.
Protein change: p.Thr766=; no amino-acid change (threonine 766 retained).
Molecular consequence: synonymous variant.
Genome position (GRCh38, 1-based): chr15:98,922,244, C>T. VCF-style: chr15-98922244-C-T. GRCh37 (hg19) VCF-style: chr15-99465473-C-T.
Other names: c.2298C>T, p.Thr766= (NM_001291858.2).
Identifiers: ClinVar variation 193818 (VCV000193818.20), dbSNP rs3743262, ClinGen allele CA200789.

ClinVar aggregate classification (germline): Benign/Likely benign. Review status: criteria provided, multiple submitters, no conflicts (2 of 4 stars). 7 submissions from 7 submitters: Benign (6); Likely benign (1). Last evaluated 2026-05-09.

Conditions:
Growth delay due to insulin-like growth factor I resistance. Also called: Somatomedin end-organ insensitivity to; Somatomedin-c resistance to; IGF-1 resistance; IGF-I RESISTANCE; Insulin-Like Growth Factor I Resistance. Identifiers: Orphanet 73273, MedGen C1849157, MONDO:0010038, OMIM 270450.

Allele frequency attached by ClinVar (database versions not stated): ESP Exome Variant Server 0.03457; gnomAD 0.05461 and 0.06146; TOPMed 0.05849; gnomAD exomes 0.06126 and 0.09636; ExAC 0.09006; 1000 Genomes Project 30x 0.12914; 1000 Genomes Project 0.13419.
gnomAD v4.1: 99,069 of 1,614,086 alleles (6.1%); highest among the groups gnomAD compares: East Asian, 33%; 5,678 homozygotes.

Submissions (7):

Women's Health and Genetics/Laboratory Corporation of America, LabCorp
Classification: Benign. Last evaluated: 2026-05-09. Review status: criteria provided, single submitter. Criteria: LabCorp Variant Classification Summary - May 2015. Collection method: clinical testing. Allele origin: germline.

Labcorp Genetics (formerly Invitae), Labcorp
Classification: Benign. Last evaluated: 2026-02-03. Review status: criteria provided, single submitter. Criteria: Invitae Variant Classification Sherloc (09022015). Collection method: clinical testing. Allele origin: germline.

Blueprint Genetics
Classification: Likely benign. Last evaluated: 2024-11-27. Review status: criteria provided, single submitter. Criteria: ACMG Guidelines, 2015. Collection method: clinical testing. Allele origin: germline.

GeneDx
Classification: Benign. Last evaluated: 2018-12-06. Review status: criteria provided, single submitter. Criteria: GeneDx Variant Classification Process June 2021. Collection method: clinical testing. Allele origin: germline. Affected: yes.
Comment: This variant is associated with the following publications: (PMID: 20416304)

Illumina Laboratory Services, Illumina
Classification: Benign for Growth delay due to insulin-like growth factor I resistance. Last evaluated: 2017-04-27. Review status: criteria provided, single submitter. Criteria: ICSL Variant Classification Criteria 13 December 2019. Collection method: clinical testing. Allele origin: germline.
Comment: This variant was observed as part of a predisposition screen in an ostensibly healthy population. A literature search was performed for the gene, cDNA change, and amino acid change (where applicable). Publications were found based on this search. The evidence from the literature, in combination with allele frequency data from public databases where available, was sufficient to rule this variant out of causing disease. Therefore, this variant is classified as benign.

Eurofins Ntd Llc (ga)
Classification: Benign. Last evaluated: 2014-12-17. Review status: criteria provided, single submitter. Criteria: EGL Classification Definitions 2015. Collection method: clinical testing. Allele origin: germline. Observed: 1 variant allele, 1 heterozygote.

Breakthrough Genomics
Classification: Benign. Review status: criteria provided, single submitter. Criteria: ACMG Guidelines, 2015. Collection method: not provided. Allele origin: germline. Inheritance: Autosomal dominant inheritance. Affected: yes.

Literature cited by the submitters: PubMed 20416304 (cited by Illumina Laboratory Services, Illumina).